The following is an entry in ClinVar:

ClinVar aggregate classification (germline): Conflicting classifications of pathogenicity. Review status: criteria provided, conflicting classifications (1 of 4 stars). 2 submissions from 2 submitters: Likely pathogenic (1); Uncertain significance (1). Last evaluated 2022-12-08.

Conditions:
CSDE1-related neurodevelopmental disorder.
CSDE1-related disorder. Also called: CSDE1-related condition.

Submissions (2):

PreventionGenetics, part of Exact Sciences
Classification: Uncertain significance for CSDE1-related condition. Last evaluated: 2022-12-08. Review status: criteria provided, single submitter. Criteria: ACMG Guidelines, 2015. Collection method: clinical testing. Allele origin: germline.
Comment: The CSDE1 c.1015C>T variant is predicted to result in premature protein termination (p.Arg339*). This variant was reported to have arisen de novo in an individual with autism spectrum disorder (referred to as c.1108C>T and p.R370* in Guo et al. 2019. PubMed ID: 31579823). This variant has not been reported in a large population database, indicating this variant is rare. At this time, the clinical significance of this variant is uncertain due to the absence of conclusive functional and genetic evidence.

Clinical Genetics Service, Universitary Hospital 12 de Octubre
Classification: Likely pathogenic for CSDE1-related neurodevelopmental disorder. Review status: criteria provided, single submitter. Criteria: ACMG Guidelines, 2015. Collection method: clinical testing. Allele origin: germline. Affected: yes.

NM_001007553.3(CSDE1):c.970C>T (p.Arg324Ter)

Gene: CSDE1 (cold shock domain containing E1; minus strand). Cytogenetic location: 1p13.2.
Variant type: single nucleotide variant.
Coding change: c.970C>T on transcript NM_001007553.3 (MANE Select); coding-DNA position 970, C replaced by T.
Protein change: p.Arg324Ter; replaces arginine 324 with a stop codon.
Molecular consequence: nonsense.
Genome position (GRCh38, 1-based): chr1:114,732,684, G>A on the plus strand (C>T on the coding strand, the complement: CSDE1 is on the minus strand). VCF-style: chr1-114732684-G-A. GRCh37 (hg19) VCF-style: chr1-115275305-G-A.
Other names: c.1015C>T, p.Arg339Ter (NM_001130523.3); c.1108C>T, p.Arg370Ter (NM_001242891.2); c.970C>T, p.Arg324Ter (NM_001242892.2); c.877C>T, p.Arg293Ter (NM_001242893.2, NM_007158.6); short protein forms R293*, R324*, R339*, R370*.
Identifiers: ClinVar variation 2636758 (VCV002636758.2), dbSNP rs2101038998, ClinGen allele CA341756045.